The following is an entry in ClinVar:

NM_001164508.2(NEB):c.3098A>G (p.Asp1033Gly)

Gene: NEB (nebulin; minus strand). Cytogenetic location: 2q23.3.
Variant type: single nucleotide variant.
Coding change: c.3098A>G on transcript NM_001164508.2 (MANE Select); coding-DNA position 3098, A replaced by G.
Protein change: p.Asp1033Gly; replaces aspartic acid 1033 with glycine.
Molecular consequence: missense variant.
Genome position (GRCh38, 1-based): chr2:151,679,967, T>C on the plus strand (A>G on the coding strand, the complement: NEB is on the minus strand). VCF-style: chr2-151679967-T-C. GRCh37 (hg19) VCF-style: chr2-152536481-T-C.
Other names: c.3098A>G, p.Asp1033Gly (NM_001164507.2, NM_001271208.2, NM_004543.5); short protein forms D1033G.
Identifiers: ClinVar variation 1954514 (VCV001954514.2), dbSNP rs2552263561, ClinGen allele CA348820539.

ClinVar aggregate classification (germline): Uncertain significance (1 of 4 stars; one submission).

Conditions:
Nemaline myopathy 2 (NEM2). Also called: Nemaline myopathy 2, autosomal recessive. Identifiers: MedGen C1850569, MONDO:0009725, OMIM 256030.

Submission:

Labcorp Genetics (formerly Invitae), Labcorp
Classification: Uncertain significance for Nemaline myopathy 2. Last evaluated: 2021-06-10. Review status: criteria provided, single submitter. Criteria: Invitae Variant Classification Sherloc (09022015). Collection method: clinical testing. Allele origin: germline.
Comment: This sequence change replaces aspartic acid with glycine at codon 1033 of the NEB protein (p.Asp1033Gly). The aspartic acid residue is moderately conserved and there is a moderate physicochemical difference between aspartic acid and glycine. This variant is not present in population databases (ExAC no frequency). This variant has not been reported in the literature in individuals with NEB-related conditions. Algorithms developed to predict the effect of missense changes on protein structure and function are either unavailable or do not agree on the potential impact of this missense change (SIFT: "Deleterious"; PolyPhen-2: "Not Available"; Align-GVGD: "Class C0"). In summary, the available evidence is currently insufficient to determine the role of this variant in disease. Therefore, it has been classified as a Variant of Uncertain Significance.